The following is an entry in ClinVar:

ClinVar aggregate classification (germline): Uncertain significance. Review status: criteria provided, multiple submitters, no conflicts (2 of 4 stars). 2 submissions from 2 submitters: Uncertain significance (2). Last evaluated 2024-05-15.

Conditions:
Pancreatic cancer, susceptibility to, 1. Identifiers: Orphanet 1333, MedGen C1847351, MONDO:0011739, OMIM 606856.

Submissions (2):

Fulgent Genetics
Classification: Uncertain significance for Pancreatic cancer, susceptibility to, 1. Last evaluated: 2024-05-15. Review status: criteria provided, single submitter. Criteria: ACMG Guidelines, 2015. Collection method: clinical testing. Allele origin: germline.

Ambry Genetics
Classification: Uncertain significance. Last evaluated: 2022-12-19. Review status: criteria provided, single submitter. Criteria: Ambry Variant Classification Scheme 2023. Collection method: clinical testing. Allele origin: germline.
Comment: The p.L688R variant (also known as c.2063T>G), located in coding exon 10 of the PALLD gene, results from a T to G substitution at nucleotide position 2063. The leucine at codon 688 is replaced by arginine, an amino acid with dissimilar properties. This amino acid position is conserved. In addition, this alteration is predicted to be deleterious by in silico analysis. Since supporting evidence is limited at this time, the clinical significance of this alteration remains unclear.

NM_001166108.2(PALLD):c.2063T>G (p.Leu688Arg)

Gene: PALLD (palladin, cytoskeletal associated protein; plus strand). Cytogenetic location: 4q32.3.
Variant type: single nucleotide variant.
Coding change: c.2063T>G on transcript NM_001166108.2 (MANE Select); coding-DNA position 2063, T replaced by G.
Protein change: p.Leu688Arg; replaces leucine 688 with arginine.
Molecular consequence: missense variant. On other transcripts: 5 prime UTR variant (4).
Genome position (GRCh38, 1-based): chr4:168,891,020, T>G. VCF-style: chr4-168891020-T-G. GRCh37 (hg19) VCF-style: chr4-169812171-T-G.
Other names: c.917T>G, p.Leu306Arg (NM_001166109.2); c.602T>G, p.Leu201Arg (NM_001166110.2); c.-59T>G (NM_001367567.1, NM_001367568.1, NM_001367569.1 and 1 more transcripts); c.2063T>G, p.Leu688Arg (NM_016081.4); short protein forms L688R, L201R, L306R.
Identifiers: ClinVar variation 2448466 (VCV002448466.3), dbSNP rs2533587935, ClinGen allele CA358797267.